The following is an entry in ClinVar:

ClinVar aggregate classification (germline): Uncertain significance. Review status: criteria provided, multiple submitters, no conflicts (2 of 4 stars). 2 submissions from 2 submitters: Uncertain significance (2). Last evaluated 2023-11-23.

gnomAD v4.1: 1 of 1,179,834 alleles (0.000085%); no homozygotes.

Submissions (2):

Ambry Genetics
Classification: Uncertain significance. Last evaluated: 2023-11-23. Review status: criteria provided, single submitter. Criteria: Ambry Variant Classification Scheme 2023. Collection method: clinical testing. Allele origin: germline.
Comment: The p.R9C variant (also known as c.25C>T), located in coding exon 1 of the GALNT12 gene, results from a C to T substitution at nucleotide position 25. The arginine at codon 9 is replaced by cysteine, an amino acid with highly dissimilar properties. This amino acid position is conserved. In addition, this alteration is predicted to be tolerated by in silico analysis. Since supporting evidence is limited at this time, the clinical significance of this alteration remains unclear.

Labcorp Genetics (formerly Invitae), Labcorp
Classification: Uncertain significance. Last evaluated: 2022-03-15. Review status: criteria provided, single submitter. Criteria: Invitae Variant Classification Sherloc (09022015). Collection method: clinical testing. Allele origin: germline.
Comment: In summary, the available evidence is currently insufficient to determine the role of this variant in disease. Therefore, it has been classified as a Variant of Uncertain Significance. Algorithms developed to predict the effect of missense changes on protein structure and function are either unavailable or do not agree on the potential impact of this missense change (SIFT: "Deleterious"; PolyPhen-2: "Not Available"; Align-GVGD: "Class C0"). This variant has not been reported in the literature in individuals affected with GALNT12-related conditions. This variant is not present in population databases (gnomAD no frequency). This sequence change replaces arginine, which is basic and polar, with cysteine, which is neutral and slightly polar, at codon 9 of the GALNT12 protein (p.Arg9Cys).

NM_024642.5(GALNT12):c.25C>T (p.Arg9Cys)

Gene: GALNT12 (polypeptide N-acetylgalactosaminyltransferase 12; plus strand). Cytogenetic location: 9q22.33.
Variant type: single nucleotide variant.
Coding change: c.25C>T on transcript NM_024642.5 (MANE Select); coding-DNA position 25, C replaced by T.
Protein change: p.Arg9Cys; replaces arginine 9 with cysteine.
Molecular consequence: missense variant.
Genome position (GRCh38, 1-based): chr9:98,807,723, C>T. VCF-style: chr9-98807723-C-T. GRCh37 (hg19) VCF-style: chr9-101570005-C-T.
Other names: short protein forms R9C.
Identifiers: ClinVar variation 1793648 (VCV001793648.7), dbSNP rs889395877, ClinGen allele CA374222043.